The following is an entry in ClinVar:

ClinVar aggregate classification (germline): Likely benign (1 of 4 stars; one submission).

Allele frequency attached by ClinVar (database versions not stated): gnomAD 0.01267 and 0.01367; TOPMed 0.01379; 1000 Genomes Project 0.01518; 1000 Genomes Project 30x 0.01546; gnomAD exomes 0.00092.
gnomAD v4.1: 2,711 of 984,730 alleles (0.28%); highest among the groups gnomAD compares: African/African-American, 4.5%; 50 homozygotes.

Submission:

GeneDx
Classification: Likely benign. Last evaluated: 2018-06-14. Review status: criteria provided, single submitter. Criteria: GeneDx Variant Classification (06012015). Collection method: clinical testing. Allele origin: germline. Affected: yes.
Comment: This variant is considered likely benign or benign based on one or more of the following criteria: it is a conservative change, it occurs at a poorly conserved position in the protein, it is predicted to be benign by multiple in silico algorithms, and/or has population frequency not consistent with disease.

NM_033118.4(MYLK2):c.879-262C>T

Gene: MYLK2 (myosin light chain kinase 2; plus strand). Cytogenetic location: 20q11.21.
Variant type: single nucleotide variant.
Coding change: c.879-262C>T on transcript NM_033118.4 (MANE Select); 262 bases into the intron before coding-DNA position 879, C replaced by T.
Molecular consequence: intron variant.
Genome position (GRCh38, 1-based): chr20:31,823,997, C>T. VCF-style: chr20-31823997-C-T. GRCh37 (hg19) VCF-style: chr20-30411800-C-T.
Identifiers: ClinVar variation 669905 (VCV000669905.1), dbSNP rs115124478, ClinGen allele CA313850695.
Genomic context (GRCh38, chr20:31,823,997, plus strand): 5'-TGAAGGTGCCCTCCCCCAGGGCCCAGGGCCTGCCTGCCCTAAACCTCTAAGGGTCGCATC[C>T]CAGGGCCATCCTCCCTACACGCCTGCTCTTCCTGTGCACGTGGTCTGTGTGGTTCAAAGA-3'